The following is an entry in ClinVar:

NM_020822.3(KCNT1):c.3178-26GCCCT[2]

Gene: KCNT1 (potassium sodium-activated channel subfamily T member 1; plus strand). Cytogenetic location: 9q34.3.
Variant type: Microsatellite.
Coding change: c.3178-26GCCCT[2] on transcript NM_020822.3 (MANE Select); two copies in a row of the 5-base unit GCCCT starting at c.3178-26.
Molecular consequence: intron variant.
Genome position: GRCh38 VCF-style: chr9-135786170-CGCCCTGCCCT-C. GRCh37 (hg19) VCF-style: chr9-138678016-CGCCCTGCCCT-C.
Other names: c.3178-12_3178-3del10 (NM_020822.2, NM_020822.3); c.3043-26GCCCT[2] (NM_001272003.2).
Identifiers: ClinVar variation 420320 (VCV000420320.31), dbSNP rs757968008, ClinGen allele CA5327726.

ClinVar aggregate classification (germline): Benign/Likely benign. Review status: criteria provided, multiple submitters, no conflicts (2 of 4 stars). 9 submissions from 8 submitters: Benign (1); Likely benign (8). Last evaluated 2026-07-01.

Conditions:
Developmental and epileptic encephalopathy, 14 (DEE14). Also called: Early infantile epileptic encephalopathy 14. Identifiers: Orphanet 293181, MedGen C3554195, MONDO:0013989, OMIM 614959.
Autosomal dominant nocturnal frontal lobe epilepsy 5. Also called: Epilepsy, nocturnal frontal lobe, 5; KCNT1-Related Epilepsy; CILIARY DYSKINESIA, PRIMARY, 28, WITHOUT SITUS INVERSUS; CILIARY DYSKINESIA, PRIMARY, 28, WITH SITUS INVERSUS. Identifiers: Orphanet 98784, MedGen C3554306, MONDO:0014002, OMIM 615005.
Inborn genetic diseases. Identifiers: MedGen C0950123, MeSH D030342.
KCNT1-related disorder. Also called: KCNT1-related condition.

Submissions (9):

CeGaT Center for Human Genetics Tuebingen
Classification: Likely benign. Last evaluated: 2026-07-01. Review status: criteria provided, single submitter. Criteria: CeGaT Center For Human Genetics Tuebingen Variant Classification Criteria Version 2. Collection method: clinical testing. Allele origin: germline. Affected: yes. Observed: 2 variant alleles.
Comment: KCNT1: BP4, BS1

Labcorp Genetics (formerly Invitae), Labcorp
Classification: Benign for Autosomal dominant nocturnal frontal lobe epilepsy 5; Developmental and epileptic encephalopathy, 14. Last evaluated: 2025-12-28. Review status: criteria provided, single submitter. Criteria: Invitae Variant Classification Sherloc (09022015). Collection method: clinical testing. Allele origin: germline.

PreventionGenetics, part of Exact Sciences
Classification: Likely benign for KCNT1-related condition. Last evaluated: 2025-02-25. Review status: criteria provided, single submitter. Criteria: ACMG Guidelines, 2015. Collection method: clinical testing. Allele origin: germline.
Comment: This variant is classified as likely benign based on ACMG/AMP sequence variant interpretation guidelines (Richards et al. 2015 PMID: 25741868, with internal and published modifications).

Blueprint Genetics
Classification: Likely benign. Last evaluated: 2024-11-21. Review status: criteria provided, single submitter. Criteria: ACMG Guidelines, 2015. Collection method: clinical testing. Allele origin: germline.

Ambry Genetics
Classification: Likely benign for Inborn genetic diseases. Last evaluated: 2024-06-28. Review status: criteria provided, single submitter. Criteria: Ambry Variant Classification Scheme 2023. Collection method: clinical testing. Allele origin: germline.

Women's Health and Genetics/Laboratory Corporation of America, LabCorp
Classification: Likely benign. Last evaluated: 2024-04-29. Review status: criteria provided, single submitter. Criteria: LabCorp Variant Classification Summary - May 2015. Collection method: clinical testing. Allele origin: germline.
Comment: Variant summary: KCNT1 c.3178-12_3178-3del10 alters non-conserved nucleotides located close to a canonical splice site and therefore could affect mRNA splicing, leading to a significantly altered protein sequence. Consensus agreement among computation tools predict no significant impact on normal splicing. However, these predictions have yet to be confirmed by functional studies. The variant allele was found at a frequency of 0.00021 in 197052 control chromosomes. To our knowledge, no occurrence of c.3178-12_3178-3del10 in individuals affected with Developmental And Epileptic Encephalopathy, 14 and no experimental evidence demonstrating its impact on protein function have been reported. ClinVar contains an entry for this variant (Variation ID: 420320). Based on the evidence outlined above, the variant was classified as Likely Benign.

GeneDx
Classification: Likely benign. Last evaluated: 2024-02-12. Review status: criteria provided, single submitter. Criteria: GeneDx Variant Classification Process June 2021. Collection method: clinical testing. Allele origin: germline. Affected: yes.
Comment: See Variant Classification Assertion Criteria.

Genome-Nilou Lab
Classification: Likely benign for Developmental and epileptic encephalopathy, 14. Last evaluated: 2022-03-15. Review status: criteria provided, single submitter. Criteria: ACMG Guidelines, 2015. Collection method: clinical testing. Allele origin: germline. Affected: no.

Genome-Nilou Lab
Classification: Likely benign for Autosomal dominant nocturnal frontal lobe epilepsy 5. Last evaluated: 2022-03-15. Review status: criteria provided, single submitter. Criteria: ACMG Guidelines, 2015. Collection method: clinical testing. Allele origin: germline. Affected: no.